The following is an entry in ClinVar:

ClinVar aggregate classification (germline): Pathogenic. Review status: reviewed by expert panel (3 of 4 stars). 11 submissions from 11 submitters: Pathogenic (1). 10 of the submissions do not count toward it. Last evaluated 2026-07-20.

Conditions:
CEP290-related ciliopathy. Also called: CEP290 ciliopathy. Identifiers: MedGen CN305601, MONDO:0100451.
Meckel-Gruber syndrome. Also called: DYSENCEPHALIA SPLANCHNOCYSTICA; GRUBER SYNDROME; Dysencephalia splachnocystica. Identifiers: Orphanet 564, MedGen C0265215, MONDO:0018921.
Nephronophthisis. Also called: Juvenile Nephronophthisis. Identifiers: Orphanet 655, MedGen C0687120, MONDO:0019005, HP:0000090.
Joubert syndrome. Also called: Familial aplasia of the vermis; JOUBERT-BOLTSHAUSER SYNDROME. Identifiers: Orphanet 475, MedGen C5979921, MONDO:0018772.
CEP290-related disorder. Also called: CEP290-related disorders; CEP290-related condition. Identifiers: MedGen CN239314.
Leber congenital amaurosis 10 (LCA10). Identifiers: Orphanet 65, MedGen C1857821, MONDO:0012723, OMIM 611755.
Meckel syndrome, type 4 (MKS4). Also called: MECKEL-GRUBER SYNDROME, TYPE 4. Identifiers: Orphanet 564, MedGen C1970161, MONDO:0012626, OMIM 611134.
Senior-Loken syndrome 6 (SLSN6). Identifiers: Orphanet 3156, MedGen C1857779, MONDO:0012433, OMIM 610189.
Joubert syndrome 5 (JBTS5). Identifiers: Orphanet 2318, MedGen C1857780, MONDO:0012432, OMIM 610188.
Bardet-Biedl syndrome 14 (BBS14). Identifiers: Orphanet 110, MedGen C2673874, MONDO:0014442, OMIM 615991.
Leber congenital amaurosis (LCA). Also called: Leber's amaurosis. Identifiers: Orphanet 65, MedGen C0339527, MeSH D057130, MONDO:0018998.

Submissions (11):

ClinGen Leber Congenital Amaurosis/early Onset Retinal Dystrophy Variant Curation Expert Panel, ClinGen
Classification: Pathogenic for CEP290-related ciliopathy. Last evaluated: 2026-07-20. Review status: reviewed by expert panel. Criteria: ClinGen LCAeoRD ACMG Specifications CEP290 V1.0.0. Collection method: curation. Allele origin: germline. Inheritance: Autosomal recessive inheritance.
Comment: NM_025114.4(CEP290):c.5850del (p.Phe1950LeufsTer15) is a frameshift variant that introduces a premature stop codon into exon 42 of 54 and is predicted to lead to nonsense-mediated decay in a gene in which loss-of-function is an established mechanism of disease (PVS1). This variant is present in gnomAD v4.1.1 at a total allele frequency of 0.00002707, with 43 alleles / 1,588,746 total alleles, which is lower than the ClinGen LCA/eoRD VCEP PM2_Supporting threshold of <0.0006 (PM2_Supporting). This variant has been reported in at least 1 proband with early-onset severe retinal dystrophy who was compound heterozygous with the NM_025114.4(CEP290):c.2991+1655A>G variant suspected in trans, which was previously classified pathogenic by the ClinGen LCA/eoRD VCEP (0.5 points, PMID: 17345604, PM3_Supporting). In summary, this variant meets the criteria to be classified as Pathogenic for CEP290-related ciliopathy based on the ACMG/AMP criteria applied, as specified by the ClinGen LCA/eoRD VCEP: PVS1, PM2_Supporting, and PM3_Supporting. (LCA/eoRD VCEP Specifications for CEP290 Version 1.0.0)

GeneDx
Classification: Pathogenic. Last evaluated: 2026-02-24. Review status: criteria provided, single submitter. Criteria: GeneDx Variant Classification Process June 2021. Collection method: clinical testing. Allele origin: germline. Not counted in ClinVar's aggregate classification.
Comment: Frameshift variant predicted to result in protein truncation or nonsense mediated decay in a gene for which loss of function is a known mechanism of disease; Not observed at significant frequency in large population cohorts (gnomAD); This variant is associated with the following publications: (PMID: 26667666, 31589614, 32037395, 21866095, 17345604, 37230223)

Labcorp Genetics (formerly Invitae), Labcorp
Classification: Pathogenic for Joubert syndrome; Meckel-Gruber syndrome; Nephronophthisis. Last evaluated: 2026-01-14. Review status: criteria provided, single submitter. Criteria: Invitae Variant Classification Sherloc (09022015). Collection method: clinical testing. Allele origin: germline. Not counted in ClinVar's aggregate classification.
Comment: This sequence change creates a premature translational stop signal (p.Phe1950Leufs*15) in the CEP290 gene. It is expected to result in an absent or disrupted protein product. Loss-of-function variants in CEP290 are known to be pathogenic (PMID: 16909394, 17345604, 20690115). The frequency data for this variant in the population databases is considered unreliable, as metrics indicate poor data quality at this position in the gnomAD database. This premature translational stop signal has been observed in individual(s) with a spectrum of CEP290-related ciliopathy conditions (PMID: 17345604, 17564974, 21866095, 26667666). ClinVar contains an entry for this variant (Variation ID: 56740). For these reasons, this variant has been classified as Pathogenic.

Dasa
Classification: Pathogenic. Last evaluated: 2025-11-06. Review status: criteria provided, single submitter. Criteria: DASA Assertion Criteria. Collection method: clinical testing. Allele origin: germline. Not counted in ClinVar's aggregate classification.
Comment: NM_025114.4(CEP290):c.5850del (p.Phe1950Leufs*15) introduces a premature termination codon predicted to result in loss of normal protein function. Loss-of-function is an established mechanism of disease for this gene. This variant has been recurrently observed in affected individuals with related phenotype in a genotype context consistent with recessive disease (PMID: 23344081; PMID: 17345604; PMID: 19466712). The variant is present at low frequency in population datasets. Based on the available data, this variant is classified as pathogenic.

Natera, Inc.
Classification: Pathogenic for Leber congenital amaurosis. Last evaluated: 2025-03-18. Review status: criteria provided, single submitter. Criteria: Natera Variant Classification Schema (03/2026). Collection method: clinical testing. Allele origin: germline. Not counted in ClinVar's aggregate classification.
Comment: The c.5850delT variant in CEP290 is a frameshift variant predicted to shift the reading frame beginning at codon 1950 and leads to a stop codon 15 codons downstream. This variant is expected to result in nonsense mediated decay, truncation, or a dysfunctional protein product. This variant is rare in the general population with a frequency below the threshold expected for the associated phenotype(s). This variant has been observed in one or more individuals affected with the associated recessive disease, as either homozygous or compound heterozygous with a second variant (PMID: 17564974). Given the available evidence, this variant is classified as Pathogenic.

Baylor Genetics
Classification: Pathogenic for Bardet-Biedl syndrome 14. Last evaluated: 2024-03-29. Review status: criteria provided, single submitter. Criteria: ACMG Guidelines, 2015. Collection method: clinical testing. Allele origin: unknown. Not counted in ClinVar's aggregate classification.

Fulgent Genetics
Classification: Pathogenic for Joubert syndrome 5; Senior-Loken syndrome 6; Meckel syndrome, type 4; Leber congenital amaurosis 10; Bardet-Biedl syndrome 14. Last evaluated: 2024-01-22. Review status: criteria provided, single submitter. Criteria: ACMG Guidelines, 2015. Collection method: clinical testing. Allele origin: germline. Not counted in ClinVar's aggregate classification.

Blueprint Genetics
Classification: Pathogenic for CEP290-related disorders. Last evaluated: 2022-10-13. Review status: criteria provided, single submitter. Criteria: ACMG Guidelines, 2015. Collection method: clinical testing. Allele origin: germline. Affected: yes. Observed: 5 variant alleles. Not counted in ClinVar's aggregate classification.

Women's Health and Genetics/Laboratory Corporation of America, LabCorp
Classification: Pathogenic for Meckel syndrome, type 4. Last evaluated: 2022-05-17. Review status: criteria provided, single submitter. Criteria: LabCorp Variant Classification Summary - May 2015. Collection method: clinical testing. Allele origin: germline. Not counted in ClinVar's aggregate classification.
Comment: Variant summary: CEP290 c.5850delT (p.Phe1950LeufsX15) results in a premature termination codon, predicted to cause a truncation of the encoded protein or absence of the protein due to nonsense mediated decay, which are commonly known mechanisms for disease. Truncations downstream of this position have been classified as pathogenic in ClinVar (e.g. c.7048C>T [p.Gln2350Ter]; c.6798G>A [p.Trp2266Ter]). The variant allele was found at a frequency of 1.8e-05 in 222022 control chromosomes (gnomAD). c.5850delT has been reported in the literature in multiple individuals affected with Meckel Syndrome (e.g. Baala_2007, Tallila_2009), Leber congenital amaurosis (e.g. Perrault_2007) and Nephronophthisis/Joubert Syndrome (e.g. Tory_2007). These data indicate that the variant is very likely to be associated with disease. Two ClinVar submitters have assessed the variant since 2014: both classified the variant as pathogenic. Based on the evidence outlined above, the variant was classified as pathogenic.

PreventionGenetics, part of Exact Sciences
Classification: Pathogenic for CEP290-related condition. Last evaluated: 2024-09-15. Review status: no assertion criteria provided. Collection method: clinical testing. Allele origin: germline. Not counted in ClinVar's aggregate classification.
Comment: The CEP290 c.5850delT variant is predicted to result in a frameshift and premature protein termination (p.Phe1950Leufs*15). This variant has previously been reported in the compound heterozygous state, or in the homozygous state, in two patients with Meckel-Gruber syndrome, two patients with Joubert Syndrome and related disorders, and three patients with Leber congenital amaurosis (Tallila et al. 2009. PubMed ID: 19466712; Perrault et al. 2007. PubMed ID: 17345604; Chaki et al. 2011. PubMed ID: 21866095). This variant is reported in 0.0039% of alleles in individuals of European (Non-Finnish) descent in gnomAD. Frameshift variants in CEP290 are expected to be pathogenic. This variant is interpreted as pathogenic.

Juha Muilu Group; Institute for Molecular Medicine Finland (FIMM)
Classification: Likely pathogenic for Meckel syndrome type 4. Review status: no assertion criteria provided. Collection method: not provided. Allele origin: unknown. Not counted in ClinVar's aggregate classification.
Comment: FinDis database variant: This variant was not found or characterized by our laboratory, data were collected from public sources: see reference
ClinVar note: Converted during submission from probable-pathogenic to Likely pathogenic.

Literature cited by the submitters: PubMed 16909394 (cited by Labcorp Genetics (formerly Invitae), Labcorp); PubMed 17345604 (cited by 3 submitters); PubMed 20690115 (cited by Labcorp Genetics (formerly Invitae), Labcorp); PubMed 17564974 (cited by 3 submitters); PubMed 21866095 (cited by Labcorp Genetics (formerly Invitae), Labcorp); PubMed 26667666 (cited by Labcorp Genetics (formerly Invitae), Labcorp); PubMed 23344081 (cited by Dasa); PubMed 19466712 (cited by Dasa and Women's Health and Genetics/Laboratory Corporation of America, LabCorp); PubMed 17409309 (cited by Women's Health and Genetics/Laboratory Corporation of America, LabCorp).

NM_025114.4(CEP290):c.5850del (p.Phe1950fs)

Gene: CEP290 (centrosomal protein 290; minus strand). Cytogenetic location: 12q21.32.
Variant type: Deletion.
Coding change: c.5850del on transcript NM_025114.4 (MANE Select); coding-DNA position 5850, one base deleted (T; older notation c.5850delT).
Protein change: p.Phe1950fs; shifts the reading frame from phenylalanine 1950.
Molecular consequence: frameshift variant.
Genome position (GRCh38, 1-based): chr12:88,071,786, A deleted on the plus strand (T on the coding strand, the reverse complement: CEP290 is on the minus strand); the first of 5 consecutive A bases (chr12:88,071,786-88,071,790); deleting any one gives the same sequence. VCF-style (leftmost placement, unchanged base first): chr12-88071785-CA-C. GRCh37 (hg19) VCF-style: chr12-88465562-CA-C.
Other names: NM_025114.4(CEP290):c.5850del; p.Phe1950fs; c.5850delT (NM_025114.3); short protein forms F1950fs.
Identifiers: ClinVar variation 56740 (VCV000056740.22), dbSNP rs386834159, ClinGen allele CA144398.